The following is an entry in ClinVar:

ClinVar aggregate classification (germline): Uncertain significance. Review status: criteria provided, multiple submitters, no conflicts (2 of 4 stars). 3 submissions from 3 submitters: Uncertain significance (3). Last evaluated 2025-04-12.

Conditions:
Inborn genetic diseases. Identifiers: MedGen C0950123, MeSH D030342.

Allele frequency attached by ClinVar (database versions not stated): gnomAD 0.00001; TOPMed 0.00001; gnomAD exomes 0.00002; ExAC 0.00003.
gnomAD v4.1: 29 of 1,604,146 alleles (0.0018%); highest among the groups gnomAD compares: Non-Finnish European, 0.0024%; no homozygotes.

Submissions (3):

Ambry Genetics
Classification: Uncertain significance for Inborn genetic diseases. Last evaluated: 2025-04-12. Review status: criteria provided, single submitter. Criteria: Ambry Variant Classification Scheme 2023. Collection method: clinical testing. Allele origin: germline.

Blueprint Genetics
Classification: Uncertain significance. Last evaluated: 2022-10-26. Review status: criteria provided, single submitter. Criteria: ACMG Guidelines, 2015. Collection method: clinical testing. Allele origin: germline.

Labcorp Genetics (formerly Invitae), Labcorp
Classification: Uncertain significance. Last evaluated: 2022-05-12. Review status: criteria provided, single submitter. Criteria: Invitae Variant Classification Sherloc (09022015). Collection method: clinical testing. Allele origin: germline.
Comment: This sequence change replaces glycine, which is neutral and non-polar, with aspartic acid, which is acidic and polar, at codon 50 of the CERKL protein (p.Gly50Asp). The frequency data for this variant in the population databases is considered unreliable, as metrics indicate poor data quality at this position in the gnomAD database. This variant has not been reported in the literature in individuals affected with CERKL-related conditions. Algorithms developed to predict the effect of missense changes on protein structure and function are either unavailable or do not agree on the potential impact of this missense change (SIFT: "Tolerated"; PolyPhen-2: "Probably Damaging"; Align-GVGD: "Class C0"). In summary, the available evidence is currently insufficient to determine the role of this variant in disease. Therefore, it has been classified as a Variant of Uncertain Significance.

NM_201548.5(CERKL):c.149G>A (p.Gly50Asp)

Gene: CERKL (CERK like autophagy regulator; minus strand). Cytogenetic location: 2q31.3.
Variant type: single nucleotide variant.
Coding change: c.149G>A on transcript NM_201548.5 (MANE Select); coding-DNA position 149, G replaced by A.
Protein change: p.Gly50Asp; replaces glycine 50 with aspartic acid.
Molecular consequence: missense variant. On other transcripts: non-coding transcript variant (2).
Genome position (GRCh38, 1-based): chr2:181,656,858, C>T on the plus strand (G>A on the coding strand, the complement: CERKL is on the minus strand). VCF-style: chr2-181656858-C-T. GRCh37 (hg19) VCF-style: chr2-182521585-C-T.
Other names: c.149G>A, p.Gly50Asp (NM_001030311.3, NM_001030312.3, NM_001030313.3 and 3 more transcripts); c.149G>A (NM_001030311.2); short protein forms G50D.
Identifiers: ClinVar variation 1928704 (VCV001928704.4), dbSNP rs753150473, ClinGen allele CA2010941.